The following is an entry in ClinVar:

ClinVar aggregate classification (germline): Uncertain significance. Review status: criteria provided, multiple submitters, no conflicts (2 of 4 stars). 5 submissions from 5 submitters: Uncertain significance (5). Last evaluated 2026-01-18.

Conditions:
Hereditary cancer-predisposing syndrome. Also called: Neoplastic Syndromes, Hereditary; Tumor predisposition; Hereditary Cancer Syndrome; Hereditary neoplastic syndrome. Identifiers: Orphanet 140162, MedGen C0027672, MeSH D009386, MONDO:0015356.
Fanconi anemia (FA). Also called: Fanconi's anemia. Identifiers: Orphanet 84, MedGen C0015625, MeSH D005199, MONDO:0019391.
Spermatogenic failure 28. Identifiers: MedGen C4748117, MONDO:0054732, OMIM 618086.

Allele frequency attached by ClinVar (database versions not stated): gnomAD exomes 0.00003 and 0.00009; ExAC 0.00007; ESP Exome Variant Server 0.00023; TOPMed 0.00040; gnomAD 0.00047 and 0.00052.
gnomAD v4.1: 111 of 1,613,878 alleles (0.0069%); highest among the groups gnomAD compares: African/African-American, 0.14%; no homozygotes.

Submissions (5):

Labcorp Genetics (formerly Invitae), Labcorp
Classification: Uncertain significance for Fanconi anemia. Last evaluated: 2026-01-18. Review status: criteria provided, single submitter. Criteria: Invitae Variant Classification Sherloc (09022015). Collection method: clinical testing. Allele origin: germline.
Comment: This sequence change replaces serine, which is neutral and polar, with glycine, which is neutral and non-polar, at codon 1674 of the FANCM protein (p.Ser1674Gly). This variant is present in population databases (rs140499872, gnomAD 0.1%). This missense change has been observed in individual(s) with acute megakaryoblastic leukemia (PMID: 26580448). ClinVar contains an entry for this variant (Variation ID: 526313). An algorithm developed to predict the effect of missense changes on protein structure and function (PolyPhen-2) suggests that this variant is likely to be disruptive. Algorithms developed to predict the effect of sequence changes on RNA splicing suggest that this variant may create or strengthen a splice site. In summary, the available evidence is currently insufficient to determine the role of this variant in disease. Therefore, it has been classified as a Variant of Uncertain Significance.

Quest Diagnostics Nichols Institute San Juan Capistrano
Classification: Uncertain significance. Last evaluated: 2025-01-24. Review status: criteria provided, single submitter. Criteria: Quest Diagnostics criteria. Collection method: clinical testing. Allele origin: unknown.
Comment: The FANCM c.5020A>G (p.Ser1674Gly) variant has been reported in the published literature in an individual with acute megakaryoblastic leukemia (PMID: 26580448 (2015)). The frequency of this variant in the general population (Genome Aggregation Database) is higher than would generally be expected for pathogenic variants in this gene. Analysis of this variant using bioinformatics tools for the prediction of the effect of amino acid changes on protein structure and function yielded conflicting predictions that this variant is benign or damaging. Based on the available information, we are unable to determine the clinical significance of this variant.

GeneDx
Classification: Uncertain significance. Last evaluated: 2024-11-07. Review status: criteria provided, single submitter. Criteria: GeneDx Variant Classification Process June 2021. Collection method: clinical testing. Allele origin: germline. Affected: yes.
Comment: Observed in a pediatric patient with acute megakaryoblastic leukemia (PMID: 26580448); In silico analysis supports that this missense variant has a deleterious effect on protein structure/function; In silico analysis suggests this variant may impact gene splicing. In the absence of RNA/functional studies, the actual effect of this sequence change is unknown.; This variant is associated with the following publications: (PMID: 26580448)

Sema4
Classification: Uncertain significance for Hereditary cancer-predisposing syndrome. Last evaluated: 2021-06-30. Review status: criteria provided, single submitter. Criteria: Sema4 Curation Guidelines. Collection method: curation. Allele origin: germline.
Comment: The FANCM c.5020A>G (p.S1674G) variant has been reported in heterozygosity in at least one individual with acute megakaryoblastic leukemia (PMID: 26580448). This variant was observed in 36/24900 chromosomes in the African population, with no homozygotes, according to the Genome Aggregation Database (PMID: 32461654) and has been reported in ClinVar (Variation ID: 526313). In silico tools suggest the impact of the variant on protein function is inconclusive, though these predictions have not been confirmed by functional studies. Based on the current evidence available, this variant is interpreted as a variant of uncertain significance.

Baylor Genetics
Classification: Uncertain significance for Spermatogenic failure 28. Last evaluated: 2020-06-20. Review status: criteria provided, single submitter. Criteria: ACMG Guidelines, 2015. Collection method: clinical testing. Allele origin: unknown. Affected: yes. Study: CSER-TexasKidsCanSeq.
Comment: This variant was determined to be of uncertain significance according to ACMG Guidelines, 2015 [PMID:25741868].

Literature cited by the submitters: PubMed 26580448 (cited by 3 submitters).

NM_020937.4(FANCM):c.5020A>G (p.Ser1674Gly)

Gene: FANCM (FA complementation group M; plus strand). Cytogenetic location: 14q21.2.
Variant type: single nucleotide variant.
Coding change: c.5020A>G on transcript NM_020937.4 (MANE Select); coding-DNA position 5020, A replaced by G.
Protein change: p.Ser1674Gly; replaces serine 1674 with glycine.
Molecular consequence: missense variant.
Genome position (GRCh38, 1-based): chr14:45,189,042, A>G. VCF-style: chr14-45189042-A-G. GRCh37 (hg19) VCF-style: chr14-45658245-A-G.
Other names: c.4942A>G, p.Ser1648Gly (NM_001308133.2); c.5020A>G (LRG_502t1); short protein forms S1674G, S1648G.
Identifiers: ClinVar variation 526313 (VCV000526313.26), dbSNP rs140499872, ClinGen allele CA7169891.